The following is an entry in ClinVar:

ClinVar aggregate classification (germline): Uncertain significance. Review status: criteria provided, multiple submitters, no conflicts (2 of 4 stars). 2 submissions from 2 submitters: Uncertain significance (2). Last evaluated 2025-05-20.

Conditions:
CLPTM1-related disorder. Also called: CLPTM1-related condition.

Allele frequency attached by ClinVar (database versions not stated): TOPMed 0.00006; gnomAD 0.00008; gnomAD exomes 0.00005; ESP Exome Variant Server 0.00015; ExAC 0.00002.
gnomAD v4.1: 87 of 1,614,068 alleles (0.0054%); highest among the groups gnomAD compares: Non-Finnish European, 0.0068%; no homozygotes.

Submissions (2):

Ambry Genetics
Classification: Uncertain significance. Last evaluated: 2025-05-20. Review status: criteria provided, single submitter. Criteria: Ambry Variant Classification Scheme 2023. Collection method: clinical testing. Allele origin: germline.

PreventionGenetics, part of Exact Sciences
Classification: Uncertain significance for CLPTM1-related condition. Last evaluated: 2022-08-28. Review status: criteria provided, single submitter. Criteria: ACMG Guidelines, 2015. Collection method: clinical testing. Allele origin: germline.
Comment: The CLPTM1 c.835A>G variant is predicted to result in the amino acid substitution p.Ile279Val. To our knowledge, this variant has not been reported in the literature. This variant is reported in 0.0080% of alleles in individuals of African descent in gnomAD. At this time, the clinical significance of this variant is uncertain due to the absence of conclusive functional and genetic evidence.

NM_001294.4(CLPTM1):c.835A>G (p.Ile279Val)

Gene: CLPTM1 (CLPTM1 regulator of GABA type A receptor forward trafficking; plus strand). Cytogenetic location: 19q13.32.
Variant type: single nucleotide variant.
Coding change: c.835A>G on transcript NM_001294.4 (MANE Select); coding-DNA position 835, A replaced by G.
Protein change: p.Ile279Val; replaces isoleucine 279 with valine.
Molecular consequence: missense variant.
Genome position (GRCh38, 1-based): chr19:44,987,220, A>G. VCF-style: chr19-44987220-A-G. GRCh37 (hg19) VCF-style: chr19-45490478-A-G.
Other names: c.793A>G, p.Ile265Val (NM_001282175.2); c.529A>G, p.Ile177Val (NM_001282176.2); c.835A>G (NM_001294.3); short protein forms I279V, I265V, I177V.
Identifiers: ClinVar variation 2228786 (VCV002228786.4), dbSNP rs150943861, ClinGen allele CA9506962.
Genomic context (GRCh38, chr19:44,987,220, plus strand): 5'-CCTGCCCCACGTGCTGCAGATGTGAAGTTCGACGCCGTGAGCGGTGACTACTATCCCATC[A>G]TCTACTTCAATGACTACTGGAACCTGCAGAAGGACTACTACCCCATCAACGAGAGCCTGG-3'
Protein context (NP_001285.1, residues 269-289): DAVSGDYYPI[Ile279Val]YFNDYWNLQK